The following is an entry in ClinVar:

ClinVar aggregate classification (germline): Uncertain significance. Review status: criteria provided, multiple submitters, no conflicts (2 of 4 stars). 3 submissions from 3 submitters: Uncertain significance (2). 1 of the submissions does not count toward it. Last evaluated 2024-08-08.

Conditions:
Hereditary cancer-predisposing syndrome. Also called: Hereditary Cancer Syndrome; Neoplastic Syndromes, Hereditary; Hereditary neoplastic syndrome; Tumor predisposition. Identifiers: Orphanet 140162, MedGen C0027672, MeSH D009386, MONDO:0015356.
Ataxia-telangiectasia syndrome (AT). Also called: Cerebello-oculocutaneous telangiectasia; Immunodeficiency with ataxia telangiectasia; Ataxia-telangiectasia, complementation group E; Ataxia-telangiectasia, complementation group D; AT, COMPLEMENTATION GROUP C; ATAXIA-TELANGIECTASIA, COMPLEMENTATION GROUP A. Identifiers: Orphanet 100, MedGen C0004135, MONDO:0008840, OMIM 208900.

Allele frequency attached by ClinVar (database versions not stated): gnomAD exomes below 0.00001.
gnomAD v4.1: 1 of 1,614,026 alleles (0.000062%); highest among the groups gnomAD compares: Non-Finnish European, 0.000085%; no homozygotes.

Submissions (3):

Ambry Genetics
Classification: Uncertain significance for Hereditary cancer-predisposing syndrome. Last evaluated: 2024-08-08. Review status: criteria provided, single submitter. Criteria: Ambry Variant Classification Scheme 2023. Collection method: clinical testing. Allele origin: germline.
Comment: The p.A531V variant (also known as c.1592C>T), located in coding exon 9 of the ATM gene, results from a C to T substitution at nucleotide position 1592. The alanine at codon 531 is replaced by valine, an amino acid with similar properties. This amino acid position is well conserved in available vertebrate species. In addition, this alteration is predicted to be tolerated by in silico analysis. Based on the available evidence, the clinical significance of this variant remains unclear.

Labcorp Genetics (formerly Invitae), Labcorp
Classification: Uncertain significance for Ataxia-telangiectasia syndrome. Last evaluated: 2024-04-22. Review status: criteria provided, single submitter. Criteria: Invitae Variant Classification Sherloc (09022015). Collection method: clinical testing. Allele origin: germline.
Comment: This sequence change replaces alanine, which is neutral and non-polar, with valine, which is neutral and non-polar, at codon 531 of the ATM protein (p.Ala531Val). This variant is not present in population databases (gnomAD no frequency). This variant has not been reported in the literature in individuals affected with ATM-related conditions. ClinVar contains an entry for this variant (Variation ID: 819622). An algorithm developed to predict the effect of missense changes on protein structure and function (PolyPhen-2) suggests that this variant is likely to be tolerated. In summary, the available evidence is currently insufficient to determine the role of this variant in disease. Therefore, it has been classified as a Variant of Uncertain Significance.

Natera, Inc.
Classification: Uncertain significance for Ataxia-telangiectasia. Last evaluated: 2020-02-17. Review status: no assertion criteria provided. Collection method: clinical testing. Allele origin: germline. Not counted in ClinVar's aggregate classification.

Literature cited by the submitters: PubMed 30287823 (cited by Ambry Genetics).

NM_000051.4(ATM):c.1592C>T (p.Ala531Val)

Gene: ATM (ATM serine/threonine kinase; plus strand). Cytogenetic location: 11q22.3.
Variant type: single nucleotide variant.
Coding change: c.1592C>T on transcript NM_000051.4 (MANE Select); coding-DNA position 1592, C replaced by T.
Protein change: p.Ala531Val; replaces alanine 531 with valine.
Molecular consequence: missense variant.
Genome position (GRCh38, 1-based): chr11:108,251,057, C>T. VCF-style: chr11-108251057-C-T. GRCh37 (hg19) VCF-style: chr11-108121784-C-T.
Other names: c.1592C>T, p.Ala531Val (NM_001351834.2); short protein forms A531V.
Identifiers: ClinVar variation 819622 (VCV000819622.8), dbSNP rs1591524927, ClinGen allele CA382534427.